The following is an entry in ClinVar:

NM_001077653.2(TBX20):c.224C>T (p.Pro75Leu)

Gene: TBX20 (T-box transcription factor 20; minus strand). Cytogenetic location: 7p14.2.
Variant type: single nucleotide variant.
Coding change: c.224C>T on transcript NM_001077653.2 (MANE Select); coding-DNA position 224, C replaced by T.
Protein change: p.Pro75Leu; replaces proline 75 with leucine.
Molecular consequence: missense variant.
Genome position (GRCh38, 1-based): chr7:35,250,107, G>A on the plus strand (C>T on the coding strand, the complement: TBX20 is on the minus strand). VCF-style: chr7-35250107-G-A. GRCh37 (hg19) VCF-style: chr7-35289719-G-A.
Other names: c.224C>T, p.Pro75Leu (NM_001166220.1); short protein forms P75L.
Identifiers: ClinVar variation 2898783 (VCV002898783.3), dbSNP rs540565352, ClinGen allele CA4217552.

ClinVar aggregate classification (germline): Uncertain significance (1 of 4 stars; one submission).

Allele frequency attached by ClinVar (database versions not stated): gnomAD 0.00001; ExAC 0.00003; 1000 Genomes Project 30x 0.00016; 1000 Genomes Project 0.00020.
gnomAD v4.1: 6 of 1,613,576 alleles (0.00037%); highest among the groups gnomAD compares: African/African-American, 0.0013%; no homozygotes.

Submission:

Labcorp Genetics (formerly Invitae), Labcorp
Classification: Uncertain significance. Last evaluated: 2025-01-01. Review status: criteria provided, single submitter. Criteria: Invitae Variant Classification Sherloc (09022015). Collection method: clinical testing. Allele origin: germline.
Comment: This sequence change replaces proline, which is neutral and non-polar, with leucine, which is neutral and non-polar, at codon 75 of the TBX20 protein (p.Pro75Leu). This variant is present in population databases (rs540565352, gnomAD 0.003%). This variant has not been reported in the literature in individuals affected with TBX20-related conditions. ClinVar contains an entry for this variant (Variation ID: 2898783). An algorithm developed to predict the effect of missense changes on protein structure and function (PolyPhen-2) suggests that this variant is likely to be tolerated. In summary, the available evidence is currently insufficient to determine the role of this variant in disease. Therefore, it has been classified as a Variant of Uncertain Significance.